The following is an entry in ClinVar:

ClinVar aggregate classification (germline): Uncertain significance. Review status: criteria provided, multiple submitters, no conflicts (2 of 4 stars). 4 submissions from 4 submitters: Uncertain significance (4). Last evaluated 2025-09-12.

Conditions:
Hereditary cancer-predisposing syndrome. Also called: Hereditary Cancer Syndrome; Neoplastic Syndromes, Hereditary; Tumor predisposition; Hereditary neoplastic syndrome. Identifiers: Orphanet 140162, MedGen C0027672, MeSH D009386, MONDO:0015356.
Fanconi anemia complementation group J. Also called: BRIP1-Related Fanconi Anemia. Identifiers: Orphanet 84, MedGen C1836860, MONDO:0012187, OMIM 609054.
Familial cancer of breast. Also called: Hereditary breast cancer; hereditary breast carcinoma; BREAST CANCER, FAMILIAL. Identifiers: Orphanet 227535, MedGen C0346153, MONDO:0016419, OMIM 114480. Disease mechanism: loss of function.

Allele frequency attached by ClinVar (database versions not stated): gnomAD exomes below 0.00001; TOPMed 0.00001.
gnomAD v4.1: 2 of 1,611,092 alleles (0.00012%); highest among the groups gnomAD compares: South Asian, 0.0011%; no homozygotes.

Submissions (4):

Ambry Genetics
Classification: Uncertain significance for Hereditary cancer-predisposing syndrome. Last evaluated: 2025-09-12. Review status: criteria provided, single submitter. Criteria: Ambry Variant Classification Scheme 2023. Collection method: clinical testing. Allele origin: germline.
Comment: The p.I833V variant (also known as c.2497A>G), located in coding exon 17 of the BRIP1 gene, results from an A to G substitution at nucleotide position 2497. The isoleucine at codon 833 is replaced by valine, an amino acid with highly similar properties. This amino acid position is highly conserved in available vertebrate species. In addition, the in silico prediction for this alteration is inconclusive. Since supporting evidence is limited at this time, the clinical significance of this alteration remains unclear.

Baylor Genetics
Classification: Uncertain significance for Familial cancer of breast. Last evaluated: 2023-11-30. Review status: criteria provided, single submitter. Criteria: ACMG Guidelines, 2015. Collection method: clinical testing. Allele origin: unknown.

Labcorp Genetics (formerly Invitae), Labcorp
Classification: Uncertain significance for Familial cancer of breast; Fanconi anemia complementation group J. Last evaluated: 2023-09-26. Review status: criteria provided, single submitter. Criteria: Invitae Variant Classification Sherloc (09022015). Collection method: clinical testing. Allele origin: germline.
Comment: This sequence change replaces isoleucine, which is neutral and non-polar, with valine, which is neutral and non-polar, at codon 833 of the BRIP1 protein (p.Ile833Val). This variant is not present in population databases (gnomAD no frequency). In summary, the available evidence is currently insufficient to determine the role of this variant in disease. Therefore, it has been classified as a Variant of Uncertain Significance. Advanced modeling of protein sequence and biophysical properties (such as structural, functional, and spatial information, amino acid conservation, physicochemical variation, residue mobility, and thermodynamic stability) performed at Invitae indicates that this missense variant is expected to disrupt BRIP1 protein function. ClinVar contains an entry for this variant (Variation ID: 231526). This variant has not been reported in the literature in individuals affected with BRIP1-related conditions.

Mendelics
Classification: Uncertain significance for Familial cancer of breast. Last evaluated: 2019-05-28. Review status: criteria provided, single submitter. Criteria: Mendelics Assertion Criteria 2017. Collection method: clinical testing. Allele origin: unknown.

NM_032043.3(BRIP1):c.2497A>G (p.Ile833Val)

Gene: BRIP1 (BRCA1 interacting DNA helicase 1; minus strand). Cytogenetic location: 17q23.2.
Variant type: single nucleotide variant.
Coding change: c.2497A>G on transcript NM_032043.3 (MANE Select); coding-DNA position 2497, A replaced by G.
Protein change: p.Ile833Val; replaces isoleucine 833 with valine.
Molecular consequence: missense variant.
Genome position (GRCh38, 1-based): chr17:61,693,508, T>C on the plus strand (A>G on the coding strand, the complement: BRIP1 is on the minus strand). VCF-style: chr17-61693508-T-C. GRCh37 (hg19) VCF-style: chr17-59770869-T-C.
Other names: short protein forms I833V.
Identifiers: ClinVar variation 231526 (VCV000231526.18), dbSNP rs199831248, ClinGen allele CA10580800.